The following is an entry in ClinVar:

NM_001367624.2(ZNF469):c.10703A>T (p.Asp3568Val)

Gene: ZNF469 (zinc finger protein 469; plus strand). Cytogenetic location: 16q24.2.
Variant type: single nucleotide variant.
Coding change: c.10703A>T on transcript NM_001367624.2 (MANE Select); coding-DNA position 10703, A replaced by T.
Protein change: p.Asp3568Val; replaces aspartic acid 3568 with valine.
Molecular consequence: missense variant.
Genome position (GRCh38, 1-based): chr16:88,438,173, A>T. VCF-style: chr16-88438173-A-T. GRCh37 (hg19) VCF-style: chr16-88504581-A-T.
Other names: NM_001127464.1:c.10619A>T; short protein forms D3568V.
Identifiers: ClinVar variation 4867027 (VCV004867027.1).

ClinVar aggregate classification (germline): Uncertain significance (1 of 4 stars; one submission).

Conditions:
Cardiovascular phenotype. Identifiers: MedGen CN230736.

gnomAD v4.1: 2 of 1,549,556 alleles (0.00013%); highest among the groups gnomAD compares: East Asian, 0.0049%; no homozygotes.

Submission:

Ambry Genetics
Classification: Uncertain significance for Cardiovascular phenotype. Last evaluated: 2026-06-06. Review status: criteria provided, single submitter. Criteria: Ambry Variant Classification Scheme 2023. Collection method: clinical testing. Allele origin: germline.
Comment: The p.D3540V variant (also known as c.10619A>T), located in coding exon 2 of the ZNF469 gene, results from an A to T substitution at nucleotide position 10619. The aspartic acid at codon 3540 is replaced by valine, an amino acid with highly dissimilar properties. This amino acid position is conserved. In addition, this alteration is predicted to be tolerated by in silico analysis. Based on the available evidence, the clinical significance of this variant remains unclear.